The following is an entry in ClinVar:

NM_000291.4(PGK1):c.1000A>G (p.Ile334Val)

Gene: PGK1 (phosphoglycerate kinase 1; plus strand). Cytogenetic location: Xq21.1.
Variant type: single nucleotide variant.
Coding change: c.1000A>G on transcript NM_000291.4 (MANE Select); coding-DNA position 1000, A replaced by G.
Protein change: p.Ile334Val; replaces isoleucine 334 with valine.
Molecular consequence: missense variant.
Genome position (GRCh38, 1-based): chrX:78,124,937, A>G. VCF-style: chrX-78124937-A-G. GRCh37 (hg19) VCF-style: chrX-77380434-A-G.
Other names: short protein forms I334V.
Identifiers: ClinVar variation 3357308 (VCV003357308.1).

ClinVar aggregate classification (germline): Uncertain significance (0 of 4 stars; one submission).

Conditions:
PGK1-related disorder. Also called: PGK1-related condition.

Submission:

PreventionGenetics, part of Exact Sciences
Classification: Uncertain significance for PGK1-related condition. Last evaluated: 2024-03-14. Review status: no assertion criteria provided. Collection method: clinical testing. Allele origin: germline.
Comment: The PGK1 c.1000A>G variant is predicted to result in the amino acid substitution p.Ile334Val. To our knowledge, this variant has not been reported in the literature or in a large population database, indicating this variant is rare. At this time, the clinical significance of this variant is uncertain due to the absence of conclusive functional and genetic evidence.